The following is an entry in ClinVar:

ClinVar aggregate classification (germline): Uncertain significance (1 of 4 stars; one submission).

Submission:

Labcorp Genetics (formerly Invitae), Labcorp
Classification: Uncertain significance. Last evaluated: 2024-04-05. Review status: criteria provided, single submitter. Criteria: Invitae Variant Classification Sherloc (09022015). Collection method: clinical testing. Allele origin: germline.
Comment: This variant, c.3850_3855dup, results in the insertion of 2 amino acid(s) of the BRD4 protein (p.Glu1284_Gln1285dup), but otherwise preserves the integrity of the reading frame. This variant is not present in population databases (gnomAD no frequency). This variant has not been reported in the literature in individuals affected with BRD4-related conditions. In summary, the available evidence is currently insufficient to determine the role of this variant in disease. Therefore, it has been classified as a Variant of Uncertain Significance.

NM_001379291.1(BRD4):c.3850_3855dup (p.Gln1285_Gln1286insGluGln)

Gene: BRD4 (bromodomain containing 4; minus strand). Cytogenetic location: 19p13.12.
Variant type: Duplication.
Coding change: c.3850_3855dup on transcript NM_001379291.1 (MANE Select); coding-DNA positions 3850 to 3855, 6 bases duplicated (GAGCAG; older notation c.3850_3855dupGAGCAG).
Protein change: p.Gln1285_Gln1286insGluGln.
Genome position (GRCh38, 1-based): chr19:15,238,908-15,238,913, CTGCTC duplicated on the plus strand (GAGCAG on the coding strand, the reverse complement: BRD4 is on the minus strand); duplicating any 6 consecutive bases within chr19:15,238,908-15,238,916 gives the same sequence; the c. name uses the placement nearest the transcript's 3' end. VCF-style (leftmost placement, unchanged base first): chr19-15238907-G-GCTGCTC. GRCh37 (hg19) VCF-style: chr19-15349718-G-GCTGCTC.
Other names: c.3850_3855dup, p.Gln1285_Gln1286insGluGln (NM_058243.3).
Identifiers: ClinVar variation 3698050 (VCV003698050.2).